The following is an entry in ClinVar:

NM_001369.3(DNAH5):c.393C>T (p.Ile131=)

Gene: DNAH5 (dynein axonemal heavy chain 5; minus strand). Cytogenetic location: 5p15.2.
Variant type: single nucleotide variant.
Coding change: c.393C>T on transcript NM_001369.3 (MANE Select); coding-DNA position 393, C replaced by T.
Protein change: p.Ile131=; no amino-acid change (isoleucine 131 retained).
Molecular consequence: synonymous variant.
Genome position (GRCh38, 1-based): chr5:13,923,325, G>A on the plus strand (C>T on the coding strand, the complement: DNAH5 is on the minus strand). VCF-style: chr5-13923325-G-A. GRCh37 (hg19) VCF-style: chr5-13923434-G-A.
Identifiers: ClinVar variation 351222 (VCV000351222.28), dbSNP rs202190908, ClinGen allele CA3205195.

ClinVar aggregate classification (germline): Conflicting classifications of pathogenicity. Review status: criteria provided, conflicting classifications (1 of 4 stars). 4 submissions from 4 submitters: Uncertain significance (1); Likely benign (2). 1 of the submissions does not count toward it. Last evaluated 2025-12-02.

Conditions:
DNAH5-related disorder. Also called: DNAH5-related condition.
Primary ciliary dyskinesia 3. Identifiers: Orphanet 244, MedGen C1837618, MONDO:0012085, OMIM 608644.
Primary ciliary dyskinesia. Also called: Ciliary dyskinesia. Identifiers: Orphanet 244, MedGen C0008780, MONDO:0016575, HP:0012265.

Allele frequency attached by ClinVar (database versions not stated): gnomAD exomes 0.00004 and 0.00009; ExAC 0.00005; TOPMed 0.00007; gnomAD 0.00008 and 0.00009.
gnomAD v4.1: 77 of 1,614,000 alleles (0.0048%); highest among the groups gnomAD compares: Non-Finnish European, 0.0022%; no homozygotes.

Submissions (4):

Labcorp Genetics (formerly Invitae), Labcorp
Classification: Likely benign for Primary ciliary dyskinesia. Last evaluated: 2025-12-02. Review status: criteria provided, single submitter. Criteria: Invitae Variant Classification Sherloc (09022015). Collection method: clinical testing. Allele origin: germline.

Blueprint Genetics
Classification: Likely benign. Last evaluated: 2024-10-28. Review status: criteria provided, single submitter. Criteria: ACMG Guidelines, 2015. Collection method: clinical testing. Allele origin: germline.

Illumina Laboratory Services, Illumina
Classification: Uncertain significance for Primary ciliary dyskinesia 3. Last evaluated: 2018-01-13. Review status: criteria provided, single submitter. Criteria: ICSL Variant Classification Criteria 13 December 2019. Collection method: clinical testing. Allele origin: germline.

PreventionGenetics, part of Exact Sciences
Classification: Likely benign for DNAH5-related condition. Last evaluated: 2022-05-17. Review status: no assertion criteria provided. Collection method: clinical testing. Allele origin: germline. Not counted in ClinVar's aggregate classification.
Comment: This variant is classified as likely benign based on ACMG/AMP sequence variant interpretation guidelines (Richards et al. 2015 PMID: 25741868, with internal and published modifications).